The following is an entry in ClinVar:

NM_021098.3(CACNA1H):c.1359T>C (p.Pro453=)

Gene: CACNA1H (calcium voltage-gated channel subunit alpha1 H; plus strand). Cytogenetic location: 16p13.3.
Variant type: single nucleotide variant.
Coding change: c.1359T>C on transcript NM_021098.3 (MANE Select); coding-DNA position 1359, T replaced by C.
Protein change: p.Pro453=; no amino-acid change (proline 453 retained).
Molecular consequence: synonymous variant.
Genome position (GRCh38, 1-based): chr16:1,201,809, T>C. VCF-style: chr16-1201809-T-C. GRCh37 (hg19) VCF-style: chr16-1251809-T-C.
Other names: c.1359T>C, p.Pro453= (NM_001005407.2).
Identifiers: ClinVar variation 460042 (VCV000460042.16), dbSNP rs60720455, ClinGen allele CA7799920.

ClinVar aggregate classification (germline): Benign/Likely benign. Review status: criteria provided, multiple submitters, no conflicts (2 of 4 stars). 4 submissions from 4 submitters: Benign (3); Likely benign (1). Last evaluated 2026-02-03.

Conditions:
Hyperaldosteronism, familial, type IV (HALD4). Also called: FH IV; ALDOSTERONISM, PRIMARY, AND HYPERTENSION. Identifiers: Orphanet 642671, MedGen C4310756, MONDO:0014875, OMIM 617027.
Idiopathic generalized epilepsy. Also called: Generalised epilepsy; EIG. Identifiers: MedGen C0270850, MONDO:0005579, OMIM 600669.
Epilepsy, childhood absence, susceptibility to, 6. Identifiers: Orphanet 64280, MedGen C2749872, MONDO:0012763, OMIM 611942.

Allele frequency attached by ClinVar (database versions not stated): gnomAD exomes 0.00056 and 0.00118; ExAC 0.00214; ESP Exome Variant Server 0.00391; gnomAD 0.00476 and 0.00507; TOPMed 0.00549; 1000 Genomes Project 0.00599; 1000 Genomes Project 30x 0.00640.
gnomAD v4.1: 1,560 of 1,587,998 alleles (0.098%); highest among the groups gnomAD compares: African/African-American, 1.7%; 9 homozygotes.

Submissions (4):

Labcorp Genetics (formerly Invitae), Labcorp
Classification: Benign for Idiopathic generalized epilepsy; Hyperaldosteronism, familial, type IV. Last evaluated: 2026-02-03. Review status: criteria provided, single submitter. Criteria: Invitae Variant Classification Sherloc (09022015). Collection method: clinical testing. Allele origin: germline.

Athena Diagnostics
Classification: Benign. Last evaluated: 2024-12-26. Review status: criteria provided, single submitter. Criteria: Athena Diagnostics Criteria. Collection method: clinical testing. Allele origin: unknown.
Comment: The frequency of this variant in the general population is higher than would generally be expected for pathogenic variants in this gene. Computational tools yielded predictions that this variant is unlikely to have an effect on normal RNA splicing. This nucleotide position exhibits low evolutionary conservation.

Blueprint Genetics
Classification: Likely benign. Last evaluated: 2024-11-25. Review status: criteria provided, single submitter. Criteria: ACMG Guidelines, 2015. Collection method: clinical testing. Allele origin: germline.

Fulgent Genetics
Classification: Benign for Epilepsy, childhood absence, susceptibility to, 6; Hyperaldosteronism, familial, type IV. Last evaluated: 2021-08-09. Review status: criteria provided, single submitter. Criteria: ACMG Guidelines, 2015. Collection method: clinical testing. Allele origin: unknown.